The following is an entry in ClinVar:

ClinVar aggregate classification (germline): Conflicting classifications of pathogenicity. Review status: criteria provided, conflicting classifications (1 of 4 stars). 5 submissions from 5 submitters: Likely pathogenic (1); Uncertain significance (3). 1 of the submissions does not count toward it. Last evaluated 2026-09-01.

Conditions:
Saldino-Mainzer syndrome (SRTD9). Also called: Renal dysplasia, retinal pigmentary dystrophy, cerebellar ataxia and skeletal dysplasia; CONORENAL SYNDROME; SHORT-RIB THORACIC DYSPLASIA 9 WITHOUT POLYDACTYLY; short-rib thoracic dysplasia 9 with or without polydactyly. Identifiers: Orphanet 140969, MedGen C1849437, MONDO:0009964, OMIM 266920.
Retinitis pigmentosa 80 (RP80). Identifiers: MedGen C4540439, MONDO:0054708, OMIM 617781.
IFT140-related disorders.

Allele frequency attached by ClinVar (database versions not stated): gnomAD 0.00005 and 0.00006; TOPMed 0.00006; gnomAD exomes 0.00007; ExAC 0.00008.
gnomAD v4.1: 103 of 1,612,326 alleles (0.0064%); highest among the groups gnomAD compares: Non-Finnish European, 0.0081%; no homozygotes.

Submissions (5):

CeGaT Center for Human Genetics Tuebingen
Classification: Uncertain significance. Last evaluated: 2026-09-01. Review status: criteria provided, single submitter. Criteria: CeGaT Center For Human Genetics Tuebingen Variant Classification Criteria Version 2. Collection method: clinical testing. Allele origin: germline. Affected: yes. Observed: 1 variant allele.
Comment: IFT140: PM2, PM3, BP4

Labcorp Genetics (formerly Invitae), Labcorp
Classification: Uncertain significance for Saldino-Mainzer syndrome. Last evaluated: 2025-10-23. Review status: criteria provided, single submitter. Criteria: Invitae Variant Classification Sherloc (09022015). Collection method: clinical testing. Allele origin: germline.
Comment: This sequence change replaces alanine, which is neutral and non-polar, with threonine, which is neutral and polar, at codon 341 of the IFT140 protein (p.Ala341Thr). This variant is present in population databases (rs200292484, gnomAD 0.02%). This missense change has been observed in individual(s) with autosomal recessive retinitis pigmentosa (PMID: 26968735; internal data). In at least one individual the data is consistent with being in trans (on the opposite chromosome) from a pathogenic variant. ClinVar contains an entry for this variant (Variation ID: 858759). Invitae Evidence Modeling of protein sequence and biophysical properties (such as structural, functional, and spatial information, amino acid conservation, physicochemical variation, residue mobility, and thermodynamic stability) has been performed for this missense variant. However, the output from this modeling did not meet the statistical confidence thresholds required to predict the impact of this variant on IFT140 protein function. In summary, the available evidence is currently insufficient to determine the role of this variant in disease. Therefore, it has been classified as a Variant of Uncertain Significance.

Blueprint Genetics
Classification: Likely pathogenic for IFT140-related disorders. Last evaluated: 2023-12-11. Review status: criteria provided, single submitter. Criteria: ACMG Guidelines, 2015. Collection method: clinical testing. Allele origin: germline. Affected: yes. Observed: 5 variant alleles.

Fulgent Genetics
Classification: Uncertain significance for Saldino-Mainzer syndrome; Retinitis pigmentosa 80. Last evaluated: 2022-05-07. Review status: criteria provided, single submitter. Criteria: ACMG Guidelines, 2015. Collection method: clinical testing. Allele origin: unknown.

Genomics England Pilot Project, Genomics England
Classification: Pathogenic for Retinitis pigmentosa 80. Review status: no assertion criteria provided. Criteria: ACGS Guidelines, 2016. Collection method: clinical testing. Allele origin: germline. Affected: yes. Not counted in ClinVar's aggregate classification.

Literature cited by the submitters: PubMed 26968735 (cited by Labcorp Genetics (formerly Invitae), Labcorp).

NM_014714.4(IFT140):c.1021G>A (p.Ala341Thr)

Genes: IFT140 (intraflagellar transport 140; minus strand), LOC105371046 (uncharacterized LOC105371046; plus strand). Cytogenetic location: 16p13.3.
Variant type: single nucleotide variant.
Coding change: c.1021G>A on transcript NM_014714.4 (MANE Select); coding-DNA position 1021, G replaced by A.
Protein change: p.Ala341Thr; replaces alanine 341 with threonine.
Molecular consequence: missense variant.
Genome position (GRCh38, 1-based): chr16:1,586,264, C>T on the plus strand (G>A on the coding strand, the complement: IFT140 is on the minus strand). VCF-style: chr16-1586264-C-T. GRCh37 (hg19) VCF-style: chr16-1636265-C-T.
Other names: short protein forms A341T.
Identifiers: ClinVar variation 858759 (VCV000858759.12), dbSNP rs200292484, ClinGen allele CA7814451.